The following is an entry in ClinVar:

ClinVar aggregate classification (germline): Uncertain significance (1 of 4 stars; one submission).

Submission:

Labcorp Genetics (formerly Invitae), Labcorp
Classification: Uncertain significance. Last evaluated: 2022-07-30. Review status: criteria provided, single submitter. Criteria: Invitae Variant Classification Sherloc (09022015). Collection method: clinical testing. Allele origin: germline.
Comment: In summary, the available evidence is currently insufficient to determine the role of this variant in disease. Therefore, it has been classified as a Variant of Uncertain Significance. Advanced modeling of protein sequence and biophysical properties (such as structural, functional, and spatial information, amino acid conservation, physicochemical variation, residue mobility, and thermodynamic stability) performed at Invitae indicates that this missense variant is not expected to disrupt NSD1 protein function. This variant has not been reported in the literature in individuals affected with NSD1-related conditions. This variant is not present in population databases (gnomAD no frequency). This sequence change replaces lysine, which is basic and polar, with asparagine, which is neutral and polar, at codon 1279 of the NSD1 protein (p.Lys1279Asn).

NM_022455.5(NSD1):c.3837G>T (p.Lys1279Asn)

Gene: NSD1 (nuclear receptor binding SET domain protein 1; plus strand). Cytogenetic location: 5q35.3.
Variant type: single nucleotide variant.
Coding change: c.3837G>T on transcript NM_022455.5 (MANE Select); coding-DNA position 3837, G replaced by T.
Protein change: p.Lys1279Asn; replaces lysine 1279 with asparagine.
Molecular consequence: missense variant.
Genome position (GRCh38, 1-based): chr5:177,235,861, G>T. VCF-style: chr5-177235861-G-T. GRCh37 (hg19) VCF-style: chr5-176662862-G-T.
Other names: c.2964G>T, p.Lys988Asn (NM_001365684.2, NM_001409306.1, NM_001409307.1 and 3 more transcripts); c.3837G>T, p.Lys1279Asn (NM_001409301.1, NM_001409302.1, NM_001409303.1); c.3417G>T, p.Lys1139Asn (NM_001409304.1); c.3084G>T, p.Lys1028Asn (NM_001409305.1); short protein forms K1010N, K1139N, K1279N, K1028N, K988N.
Identifiers: ClinVar variation 2128066 (VCV002128066.4), dbSNP rs1765400524, ClinGen allele CA362337920.